The following is an entry in ClinVar:

NM_016065.4(MRPS16):c.332G>C (p.Arg111Pro)

Genes: DNAJC9-AS1 (DNAJC9 and MRPS16 antisense RNA 1; plus strand), MRPS16 (mitochondrial ribosomal protein S16; minus strand). Cytogenetic location: 10q22.2.
Variant type: single nucleotide variant.
Coding change: c.332G>C on transcript NM_016065.4 (MANE Select); coding-DNA position 332, G replaced by C.
Protein change: p.Arg111Pro; replaces arginine 111 with proline.
Molecular consequence: missense variant.
Genome position (GRCh38, 1-based): chr10:73,250,934, C>G on the plus strand (G>C on the coding strand, the complement: MRPS16 is on the minus strand). VCF-style: chr10-73250934-C-G. GRCh37 (hg19) VCF-style: chr10-75010692-C-G.
Other names: short protein forms R111P.
Identifiers: ClinVar variation 2413224 (VCV002413224.6), dbSNP rs141474741, ClinGen allele CA5553339.

ClinVar aggregate classification (germline): Uncertain significance (1 of 4 stars; one submission).

gnomAD v4.1: 2 of 1,614,174 alleles (0.00012%); highest among the groups gnomAD compares: African/African-American, 0.0013%; no homozygotes.

Submission:

Labcorp Genetics (formerly Invitae), Labcorp
Classification: Uncertain significance. Last evaluated: 2022-08-19. Review status: criteria provided, single submitter. Criteria: Invitae Variant Classification Sherloc (09022015). Collection method: clinical testing. Allele origin: germline.
Comment: In summary, the available evidence is currently insufficient to determine the role of this variant in disease. Therefore, it has been classified as a Variant of Uncertain Significance. Algorithms developed to predict the effect of missense changes on protein structure and function are either unavailable or do not agree on the potential impact of this missense change (SIFT: "Deleterious"; PolyPhen-2: "Possibly Damaging"; Align-GVGD: "Class C0"). This variant has not been reported in the literature in individuals affected with MRPS16-related conditions. This variant is present in population databases (rs141474741, gnomAD 0.0009%). This sequence change replaces arginine, which is basic and polar, with proline, which is neutral and non-polar, at codon 111 of the MRPS16 protein (p.Arg111Pro).